The following is an entry in ClinVar:

NM_015404.4(WHRN):c.2183G>A (p.Arg728His)

Gene: WHRN (whirlin; minus strand). Cytogenetic location: 9q32.
Variant type: single nucleotide variant.
Coding change: c.2183G>A on transcript NM_015404.4 (MANE Select); coding-DNA position 2183, G replaced by A.
Protein change: p.Arg728His; replaces arginine 728 with histidine.
Molecular consequence: missense variant.
Genome position (GRCh38, 1-based): chr9:114,406,408, C>T on the plus strand (G>A on the coding strand, the complement: WHRN is on the minus strand). VCF-style: chr9-114406408-C-T. GRCh37 (hg19) VCF-style: chr9-117168688-C-T.
Other names: c.1034G>A, p.Arg345His (NM_001083885.3); c.2183G>A, p.Arg728His (NM_001173425.2); c.1130G>A, p.Arg377His (NM_001346890.1); short protein forms R728H, R377H, R345H.
Identifiers: ClinVar variation 95700 (VCV000095700.18), dbSNP rs138767834, ClinGen allele CA223187.

ClinVar aggregate classification (germline): Uncertain significance. Review status: criteria provided, multiple submitters, no conflicts (2 of 4 stars). 5 submissions from 5 submitters: Uncertain significance (5). Last evaluated 2026-05-12.

Conditions:
WHRN-related disorder. Also called: WHRN-related condition.

Allele frequency attached by ClinVar (database versions not stated): 1000 Genomes Project 0.00060; gnomAD exomes 0.00004 and 0.00003; TOPMed 0.00017; ESP Exome Variant Server 0.00023; ExAC 0.00006; gnomAD 0.00021; 1000 Genomes Project 30x 0.00047.
gnomAD v4.1: 88 of 1,614,120 alleles (0.0055%); highest among the groups gnomAD compares: African/African-American, 0.069%; no homozygotes.

Submissions (5):

PreventionGenetics, part of Exact Sciences
Classification: Uncertain significance for WHRN-related condition. Last evaluated: 2026-05-12. Review status: criteria provided, single submitter. Criteria: ACMG Guidelines, 2015. Collection method: clinical testing. Allele origin: germline.
Comment: The WHRN c.2183G>A variant is predicted to result in the amino acid substitution p.Arg728His. To our knowledge, this variant has not been reported in the literature. This variant is reported in 0.032% of alleles in individuals of African descent in gnomAD. At this time, the clinical significance of this variant is uncertain due to the absence of conclusive functional and genetic evidence.

GeneDx
Classification: Uncertain significance. Last evaluated: 2025-10-30. Review status: criteria provided, single submitter. Criteria: GeneDx Variant Classification Process June 2021. Collection method: clinical testing. Allele origin: germline. Affected: yes.
Comment: In silico analysis suggests that this missense variant does not alter protein structure/function; Has not been previously published as pathogenic or benign to our knowledge

Blueprint Genetics
Classification: Uncertain significance. Last evaluated: 2023-12-07. Review status: criteria provided, single submitter. Criteria: ACMG Guidelines, 2015. Collection method: clinical testing. Allele origin: germline.

Labcorp Genetics (formerly Invitae), Labcorp
Classification: Uncertain significance. Last evaluated: 2023-11-01. Review status: criteria provided, single submitter. Criteria: Invitae Variant Classification Sherloc (09022015). Collection method: clinical testing. Allele origin: germline.
Comment: This sequence change replaces arginine, which is basic and polar, with histidine, which is basic and polar, at codon 728 of the WHRN protein (p.Arg728His). This variant is present in population databases (rs138767834, gnomAD 0.03%). This variant has not been reported in the literature in individuals affected with WHRN-related conditions. ClinVar contains an entry for this variant (Variation ID: 95700). An algorithm developed to predict the effect of missense changes on protein structure and function (PolyPhen-2) suggests that this variant is likely to be disruptive. In summary, the available evidence is currently insufficient to determine the role of this variant in disease. Therefore, it has been classified as a Variant of Uncertain Significance.

Eurofins Ntd Llc (ga)
Classification: Uncertain significance. Last evaluated: 2016-03-21. Review status: criteria provided, single submitter. Criteria: EGL Classification Definitions 2015. Collection method: clinical testing. Allele origin: germline. Observed: 3 variant alleles, 3 heterozygotes.